The following is an entry in ClinVar:

NM_016169.4(SUFU):c.684-2A>G

Gene: SUFU (SUFU negative regulator of hedgehog signaling; plus strand). Cytogenetic location: 10q24.32.
Variant type: single nucleotide variant.
Coding change: c.684-2A>G on transcript NM_016169.4 (MANE Select); the canonical splice acceptor site of the intron before coding-DNA position 684, A replaced by G.
Molecular consequence: splice acceptor variant.
Genome position (GRCh38, 1-based): chr10:102,593,991, A>G. VCF-style: chr10-102593991-A-G. GRCh37 (hg19) VCF-style: chr10-104353748-A-G.
Other names: c.684-2A>G (NM_001178133.2).
Identifiers: ClinVar variation 647265 (VCV000647265.10), dbSNP rs1590063305, ClinGen allele CA377909686.

ClinVar aggregate classification (germline): Likely pathogenic. Review status: criteria provided, multiple submitters, no conflicts (2 of 4 stars). 2 submissions from 2 submitters: Likely pathogenic (2). Last evaluated 2025-12-10.

Conditions:
Basal cell nevus syndrome 2 (BCNS2). Also called: NEVOID BASAL CELL CARCINOMA SYNDROME 2. Identifiers: MedGen C5830451, MONDO:0958189, OMIM 620343.
Gorlin syndrome. Also called: Basal cell nevus syndrome; Nevoid Basal Cell Carcinoma Syndrome. Identifiers: Orphanet 377, MedGen C0004779, MONDO:0007187.
Medulloblastoma (MDB). Also called: Medulloblastoma, somatic; MEDULLOBLASTOMA PREDISPOSITION SYNDROME. Identifiers: Orphanet 616, MedGen C0025149, MeSH D008527, MONDO:0007959, OMIM 155255, HP:0002885.

Submissions (2):

Labcorp Genetics (formerly Invitae), Labcorp
Classification: Likely pathogenic for Gorlin syndrome; Medulloblastoma. Last evaluated: 2025-12-10. Review status: criteria provided, single submitter. Criteria: Invitae Variant Classification Sherloc (09022015). Collection method: clinical testing. Allele origin: germline.
Comment: This sequence change affects an acceptor splice site in intron 5 of the SUFU gene. It is expected to disrupt RNA splicing. Variants that disrupt the donor or acceptor splice site typically lead to a loss of protein function (PMID: 16199547), and loss-of-function variants in SUFU are known to be pathogenic (PMID: 22508808, 25403219, 33024317). This variant is not present in population databases (gnomAD no frequency). Disruption of this splice site has been observed in individual(s) with medulloblastoma (PMID: 29753700). ClinVar contains an entry for this variant (Variation ID: 647265). Algorithms developed to predict the effect of sequence changes on RNA splicing suggest that this variant may disrupt the consensus splice site. In summary, the currently available evidence indicates that the variant is pathogenic, but additional data are needed to prove that conclusively. Therefore, this variant has been classified as Likely Pathogenic.

Institute for Genomic Medicine (IGM) Clinical Laboratory, Nationwide Children's Hospital
Classification: Likely pathogenic for Basal cell nevus syndrome 2. Last evaluated: 2025-06-10. Review status: criteria provided, single submitter. Criteria: ACMG Guidelines, 2015. Collection method: clinical testing. Allele origin: germline.
Comment: This variant is predicted to result in loss of function through nonsense-mediated decay of the encoded transcript or premature truncation of the encoded protein in a gene in which loss of function is a known mechanism of disease (ACMG/AMP: PVS1; PMIDs:29186568, 17452975, 25403219, 22508808, 29725392). This variant is absent from or present at an exceedingly low frequency in gnomAD, a large-scale control population database (ACMG/AMP: PM2).

Literature cited by the submitters: PubMed 16199547 (cited by Labcorp Genetics (formerly Invitae), Labcorp); PubMed 22508808 (cited by Labcorp Genetics (formerly Invitae), Labcorp and Institute for Genomic Medicine (IGM) Clinical Laboratory, Nationwide Children's Hospital); PubMed 25403219 (cited by Labcorp Genetics (formerly Invitae), Labcorp and Institute for Genomic Medicine (IGM) Clinical Laboratory, Nationwide Children's Hospital); PubMed 33024317 (cited by Labcorp Genetics (formerly Invitae), Labcorp); PubMed 29753700 (cited by Labcorp Genetics (formerly Invitae), Labcorp); PubMed 29186568 (cited by Institute for Genomic Medicine (IGM) Clinical Laboratory, Nationwide Children's Hospital); PubMed 17452975 (cited by Institute for Genomic Medicine (IGM) Clinical Laboratory, Nationwide Children's Hospital); PubMed 29725392 (cited by Institute for Genomic Medicine (IGM) Clinical Laboratory, Nationwide Children's Hospital).